The following is an entry in ClinVar:

ClinVar aggregate classification (germline): Conflicting classifications of pathogenicity. Review status: criteria provided, conflicting classifications (1 of 4 stars). 3 submissions from 3 submitters: Uncertain significance (1); Likely benign (2). Last evaluated 2025-02-26.

Conditions:
Haddad syndrome (OHD). Also called: Ondine-Hirschsprung disease. Identifiers: Orphanet 99803, MedGen C1859049, MONDO:0020493.
Hereditary cancer-predisposing syndrome. Also called: Neoplastic Syndromes, Hereditary; Tumor predisposition; Hereditary Cancer Syndrome; Hereditary neoplastic syndrome. Identifiers: Orphanet 140162, MedGen C0027672, MeSH D009386, MONDO:0015356.

Allele frequency attached by ClinVar (database versions not stated): gnomAD 0.00001; gnomAD exomes 0.00001; ExAC 0.00002; TOPMed 0.00002.

Submissions (3):

Labcorp Genetics (formerly Invitae), Labcorp
Classification: Likely benign for Haddad syndrome. Last evaluated: 2025-02-26. Review status: criteria provided, single submitter. Criteria: Invitae Variant Classification Sherloc (09022015). Collection method: clinical testing. Allele origin: germline.

GeneDx
Classification: Uncertain significance. Last evaluated: 2023-12-17. Review status: criteria provided, single submitter. Criteria: GeneDx Variant Classification Process June 2021. Collection method: clinical testing. Allele origin: germline. Affected: yes.
Comment: Not observed at significant frequency in large population cohorts (gnomAD); In silico analysis supports that this variant does not alter splicing; Has not been previously published as pathogenic or benign to our knowledge

Ambry Genetics
Classification: Likely benign for Hereditary cancer-predisposing syndrome. Last evaluated: 2018-10-30. Review status: criteria provided, single submitter. Criteria: Ambry Variant Classification Scheme 2023. Collection method: clinical testing. Allele origin: germline.

NM_003924.4(PHOX2B):c.33C>T (p.Ser11=)

Genes: PHOX2B-AS1 (PHOX2B antisense RNA 1; plus strand), PHOX2B (paired like homeobox 2B; minus strand). Cytogenetic location: 4p13.
Variant type: single nucleotide variant.
Coding change: c.33C>T on transcript NM_003924.4 (MANE Select); coding-DNA position 33, C replaced by T.
Protein change: p.Ser11=; no amino-acid change (serine 11 retained).
Molecular consequence: synonymous variant.
Genome position (GRCh38, 1-based): chr4:41,748,578, G>A on the plus strand (C>T on the coding strand, the complement: PHOX2B is on the minus strand). VCF-style: chr4-41748578-G-A. GRCh37 (hg19) VCF-style: chr4-41750595-G-A.
Identifiers: ClinVar variation 535780 (VCV000535780.17), dbSNP rs773982008, ClinGen allele CA2901618.